The following is an entry in ClinVar:

ClinVar aggregate classification (germline): Uncertain significance (1 of 4 stars; one submission).

gnomAD v4.1: 76 of 1,513,004 alleles (0.005%); highest among the groups gnomAD compares: Non-Finnish European, 0.0066%; no homozygotes.

Submission:

Labcorp Genetics (formerly Invitae), Labcorp
Classification: Uncertain significance. Last evaluated: 2024-12-23. Review status: criteria provided, single submitter. Criteria: Invitae Variant Classification Sherloc (09022015). Collection method: clinical testing. Allele origin: germline.
Comment: This sequence change replaces cysteine, which is neutral and slightly polar, with glycine, which is neutral and non-polar, at codon 235 of the SLC25A42 protein (p.Cys235Gly). This variant is present in population databases (no rsID available, gnomAD 0.002%). This variant has not been reported in the literature in individuals affected with SLC25A42-related conditions. Invitae Evidence Modeling of protein sequence and biophysical properties (such as structural, functional, and spatial information, amino acid conservation, physicochemical variation, residue mobility, and thermodynamic stability) indicates that this missense variant is not expected to disrupt SLC25A42 protein function with a negative predictive value of 80%. In summary, the available evidence is currently insufficient to determine the role of this variant in disease. Therefore, it has been classified as a Variant of Uncertain Significance.

NM_178526.5(SLC25A42):c.703T>G (p.Cys235Gly)

Gene: SLC25A42 (solute carrier family 25 member 42; plus strand). Cytogenetic location: 19p13.11.
Variant type: single nucleotide variant.
Coding change: c.703T>G on transcript NM_178526.5 (MANE Select); coding-DNA position 703, T replaced by G.
Protein change: p.Cys235Gly; replaces cysteine 235 with glycine.
Molecular consequence: missense variant.
Genome position (GRCh38, 1-based): chr19:19,110,622, T>G. VCF-style: chr19-19110622-T-G. GRCh37 (hg19) VCF-style: chr19-19221431-T-G.
Other names: c.703T>G, p.Cys235Gly (NM_001321544.2); short protein forms C235G.
Identifiers: ClinVar variation 3668945 (VCV003668945.1).
Genomic context (GRCh38, chr19:19,110,622, plus strand): 5'-CCTGCAGAGTACAGCGGCCGCCGGCAGCCCTACCCCTTCGAGCGCATGATCTTCGGCGCC[T>G]GCGCTGGCCTCATCGGGCAGTCGGCCTCGTACCCGCTGGATGTGGTGCGGCGGCGCATGC-3'
Protein context (NP_848621.2, residues 225-245): YPFERMIFGA[Cys235Gly]AGLIGQSASY